The following is an entry in ClinVar:

NM_005591.4(MRE11):c.2076T>C (p.Asp692=)

Gene: MRE11 (MRE11 double strand break repair nuclease; minus strand). Cytogenetic location: 11q21.
Variant type: single nucleotide variant.
Coding change: c.2076T>C on transcript NM_005591.4 (MANE Select); coding-DNA position 2076, T replaced by C.
Protein change: p.Asp692=; no amino-acid change (aspartic acid 692 retained).
Molecular consequence: synonymous variant.
Genome position (GRCh38, 1-based): chr11:94,420,176, A>G on the plus strand (T>C on the coding strand, the complement: MRE11 is on the minus strand). VCF-style: chr11-94420176-A-G. GRCh37 (hg19) VCF-style: chr11-94153342-A-G.
Other names: c.2073T>C, p.Asp691= (NM_001330347.2); c.1992T>C, p.Asp664= (NM_005590.4); c.2076T>C (NM_005591.3).
Identifiers: ClinVar variation 1681544 (VCV001681544.27), dbSNP rs778093337, ClinGen allele CA6234898.

ClinVar aggregate classification (germline): Likely benign. Review status: criteria provided, multiple submitters, no conflicts (2 of 4 stars). 3 submissions from 3 submitters: Likely benign (3). Last evaluated 2024-07-01.

Conditions:
Hereditary cancer-predisposing syndrome. Also called: Neoplastic Syndromes, Hereditary; Hereditary neoplastic syndrome; Tumor predisposition; Hereditary Cancer Syndrome. Identifiers: Orphanet 140162, MedGen C0027672, MeSH D009386, MONDO:0015356.
Ataxia-telangiectasia-like disorder (ATLD). Identifiers: MedGen C1858391, MONDO:0011457.

gnomAD v4.1: 11 of 1,584,402 alleles (0.00069%); highest among the groups gnomAD compares: South Asian, 0.011%; no homozygotes.

Submissions (3):

CeGaT Center for Human Genetics Tuebingen
Classification: Likely benign. Last evaluated: 2024-07-01. Review status: criteria provided, single submitter. Criteria: CeGaT Center For Human Genetics Tuebingen Variant Classification Criteria Version 2. Collection method: clinical testing. Allele origin: germline. Affected: yes. Observed: 1 variant allele.
Comment: MRE11: BP4, BP7

Labcorp Genetics (formerly Invitae), Labcorp
Classification: Likely benign for Ataxia-telangiectasia-like disorder. Last evaluated: 2023-09-29. Review status: criteria provided, single submitter. Criteria: Invitae Variant Classification Sherloc (09022015). Collection method: clinical testing. Allele origin: germline.

Ambry Genetics
Classification: Likely benign for Hereditary cancer-predisposing syndrome. Last evaluated: 2023-01-20. Review status: criteria provided, single submitter. Criteria: Ambry Variant Classification Scheme 2023. Collection method: clinical testing. Allele origin: germline.